The following is an entry in ClinVar:

NM_017559.4(FNDC8):c.192T>C (p.Asp64=)

Gene: FNDC8 (fibronectin type III domain containing 8; plus strand). Cytogenetic location: 17q12.
Variant type: single nucleotide variant.
Coding change: c.192T>C on transcript NM_017559.4 (MANE Select); coding-DNA position 192, T replaced by C.
Protein change: p.Asp64=; no amino-acid change (aspartic acid 64 retained).
Molecular consequence: synonymous variant.
Genome position (GRCh38, 1-based): chr17:35,121,885, T>C. VCF-style: chr17-35121885-T-C. GRCh37 (hg19) VCF-style: chr17-33448904-T-C.
Identifiers: ClinVar variation 4820743 (VCV004820743.4).

ClinVar aggregate classification (germline): Likely benign (1 of 4 stars; one submission).

Submission:

CeGaT Center for Human Genetics Tuebingen
Classification: Likely benign. Last evaluated: 2026-03-01. Review status: criteria provided, single submitter. Criteria: CeGaT Center For Human Genetics Tuebingen Variant Classification Criteria Version 2. Collection method: clinical testing. Allele origin: germline. Affected: yes. Observed: 1 variant allele.
Comment: FNDC8: BP4, BP7